The following is an entry in ClinVar:

ClinVar aggregate classification (germline): Uncertain significance (1 of 4 stars; one submission).

Conditions:
Ataxia-telangiectasia syndrome (AT). Also called: LOUIS-BAR SYNDROME; Ataxia telangiectasia (A-T); Ataxia-telangiectasia, complementation group D; Cerebello-oculocutaneous telangiectasia; Immunodeficiency with ataxia telangiectasia; Ataxia-telangiectasia. Identifiers: Orphanet 100, MedGen C0004135, MONDO:0008840, OMIM 208900.

Submission:

Labcorp Genetics (formerly Invitae), Labcorp
Classification: Uncertain significance for Ataxia-telangiectasia syndrome. Last evaluated: 2020-12-27. Review status: criteria provided, single submitter. Criteria: Invitae Variant Classification Sherloc (09022015). Collection method: clinical testing. Allele origin: germline.
Comment: This sequence change replaces aspartic acid with asparagine at codon 256 of the ATM protein (p.Asp256Asn). The aspartic acid residue is weakly conserved and there is a small physicochemical difference between aspartic acid and asparagine. In summary, the available evidence is currently insufficient to determine the role of this variant in disease. Therefore, it has been classified as a Variant of Uncertain Significance. Algorithms developed to predict the effect of missense changes on protein structure and function are either unavailable or do not agree on the potential impact of this missense change (SIFT: "Deleterious"; PolyPhen-2: "Benign"; Align-GVGD: "Class C0"). This variant has not been reported in the literature in individuals with ATM-related conditions. This variant is not present in population databases (ExAC no frequency).

NM_000051.4(ATM):c.766G>A (p.Asp256Asn)

Gene: ATM (ATM serine/threonine kinase; plus strand). Cytogenetic location: 11q22.3.
Variant type: single nucleotide variant.
Coding change: c.766G>A on transcript NM_000051.4 (MANE Select); coding-DNA position 766, G replaced by A.
Protein change: p.Asp256Asn; replaces aspartic acid 256 with asparagine.
Molecular consequence: missense variant.
Genome position (GRCh38, 1-based): chr11:108,244,891, G>A. VCF-style: chr11-108244891-G-A. GRCh37 (hg19) VCF-style: chr11-108115618-G-A.
Other names: c.766G>A, p.Asp256Asn (NM_001351834.2); short protein forms D256N.
Identifiers: ClinVar variation 863988 (VCV000863988.8), dbSNP rs2079764061, ClinGen allele CA382529302.